The following is an entry in ClinVar:

NM_001754.5(RUNX1):c.161A>G (p.Glu54Gly)

Gene: RUNX1 (RUNX family transcription factor 1; minus strand). Cytogenetic location: 21q22.12.
Variant type: single nucleotide variant.
Coding change: c.161A>G on transcript NM_001754.5 (MANE Select); coding-DNA position 161, A replaced by G.
Protein change: p.Glu54Gly; replaces glutamic acid 54 with glycine.
Molecular consequence: missense variant.
Genome position (GRCh38, 1-based): chr21:34,887,033, T>C on the plus strand (A>G on the coding strand, the complement: RUNX1 is on the minus strand). VCF-style: chr21-34887033-T-C. GRCh37 (hg19) VCF-style: chr21-36259330-T-C.
Other names: NM_001754.5(RUNX1):c.161A>G; p.Glu54Gly; c.80A>G, p.Glu27Gly (NM_001001890.3, NM_001122607.2); short protein forms E54G, E27G.
Identifiers: ClinVar variation 3647941 (VCV003647941.3).

ClinVar aggregate classification (germline): Uncertain significance. Review status: reviewed by expert panel (3 of 4 stars). 2 submissions from 2 submitters: Uncertain significance (1). 1 of the submissions does not count toward it. Last evaluated 2025-05-02.

Conditions:
Hereditary thrombocytopenia and hematologic cancer predisposition syndrome. Identifiers: Orphanet 71290, MedGen CN281654, MONDO:0011071.
Hereditary thrombocytopenia and hematological cancer predisposition syndrome associated with RUNX1. Also called: Familial Platelet Disorder with Propensity to Acute Myelogenous Leukemia; Familial thrombocytopenia with propensity to acute myelogenous leukemia; PLATELET DISORDER, ASPIRIN-LIKE; RUNX1 Familial Platelet Disorder with Associated Myeloid Malignancies. Identifiers: Orphanet 71290, MedGen C1832388, MeSH C563324, MONDO:0100083, OMIM 601399.

Submissions (2):

ClinGen Myeloid Malignancy Variant Curation Expert Panel
Classification: Uncertain significance for Hereditary thrombocytopenia and hematologic cancer predisposition syndrome. Last evaluated: 2025-05-02. Review status: reviewed by expert panel. Criteria: ClinGen MyeloMalig ACMG Specifications v2. Collection method: curation. Allele origin: germline. Inheritance: Autosomal dominant inheritance.
Comment: NM_001754.5(RUNX1):c.161A>G (p.Glu54Gly) is a missense variant which has not been reported in any populations featured in any version of gnomAD, allowing for application of PM2_Supporting. This variant has a SpliceAI score of 0 and a REVEL score of 0.738, which does not meet thresholds for computational evidence codes. In summary, this variant meets criteria to be classified as a variant of uncertain significance. ACMG/AMP criteria applied, as specified by the Myeloid Malignancy Variant Curation Expert Panel for RUNX1: PM2_Supporting.

Labcorp Genetics (formerly Invitae), Labcorp
Classification: Uncertain significance for Hereditary thrombocytopenia and hematological cancer predisposition syndrome associated with RUNX1. Last evaluated: 2024-03-28. Review status: criteria provided, single submitter. Criteria: Invitae Variant Classification Sherloc (09022015). Collection method: clinical testing. Allele origin: germline. Not counted in ClinVar's aggregate classification.
Comment: This sequence change replaces glutamic acid, which is acidic and polar, with glycine, which is neutral and non-polar, at codon 54 of the RUNX1 protein (p.Glu54Gly). This variant is not present in population databases (gnomAD no frequency). This variant has not been reported in the literature in individuals affected with RUNX1-related conditions. Advanced modeling of protein sequence and biophysical properties (such as structural, functional, and spatial information, amino acid conservation, physicochemical variation, residue mobility, and thermodynamic stability) has been performed at Invitae for this missense variant, however the output from this modeling did not meet the statistical confidence thresholds required to predict the impact of this variant on RUNX1 protein function. In summary, the available evidence is currently insufficient to determine the role of this variant in disease. Therefore, it has been classified as a Variant of Uncertain Significance.